The following is an entry in ClinVar:

NM_000395.3(CSF2RB):c.553G>A (p.Ala185Thr)

Gene: CSF2RB (colony stimulating factor 2 receptor subunit beta; plus strand). Cytogenetic location: 22q12.3.
Variant type: single nucleotide variant.
Coding change: c.553G>A on transcript NM_000395.3 (MANE Select); coding-DNA position 553, G replaced by A.
Protein change: p.Ala185Thr; replaces alanine 185 with threonine.
Molecular consequence: missense variant.
Genome position (GRCh38, 1-based): chr22:36,929,642, G>A. VCF-style: chr22-36929642-G-A. GRCh37 (hg19) VCF-style: chr22-37325684-G-A.
Other names: short protein forms A185T.
Identifiers: ClinVar variation 1359210 (VCV001359210.7), dbSNP rs61737702, ClinGen allele CA10213513.

ClinVar aggregate classification (germline): Uncertain significance. Review status: criteria provided, multiple submitters, no conflicts (2 of 4 stars). 2 submissions from 2 submitters: Uncertain significance (2). Last evaluated 2026-01-08.

Allele frequency attached by ClinVar (database versions not stated): ESP Exome Variant Server 0.00038; TOPMed 0.00047; gnomAD 0.00049 and 0.00053.

Submissions (2):

Labcorp Genetics (formerly Invitae), Labcorp
Classification: Uncertain significance. Last evaluated: 2026-01-08. Review status: criteria provided, single submitter. Criteria: Invitae Variant Classification Sherloc (09022015). Collection method: clinical testing. Allele origin: germline.
Comment: This sequence change replaces alanine, which is neutral and non-polar, with threonine, which is neutral and polar, at codon 185 of the CSF2RB protein (p.Ala185Thr). This variant is present in population databases (rs61737702, gnomAD 0.09%), and has an allele count higher than expected for a pathogenic variant. This variant has not been reported in the literature in individuals affected with CSF2RB-related conditions. ClinVar contains an entry for this variant (Variation ID: 1359210). Invitae Evidence Modeling of protein sequence and biophysical properties (such as structural, functional, and spatial information, amino acid conservation, physicochemical variation, residue mobility, and thermodynamic stability) indicates that this missense variant is expected to disrupt CSF2RB protein function with a positive predictive value of 80%. In summary, the available evidence is currently insufficient to determine the role of this variant in disease. Therefore, it has been classified as a Variant of Uncertain Significance.

Blueprint Genetics
Classification: Uncertain significance. Last evaluated: 2024-11-28. Review status: criteria provided, single submitter. Criteria: ACMG Guidelines, 2015. Collection method: clinical testing. Allele origin: germline.